The following is an entry in ClinVar:

ClinVar aggregate classification (germline): Uncertain significance (1 of 4 stars; one submission).

Submission:

GeneDx
Classification: Uncertain significance. Last evaluated: 2025-09-25. Review status: criteria provided, single submitter. Criteria: GeneDx Variant Classification Process June 2021. Collection method: clinical testing. Allele origin: germline.
Comment: Not observed at significant frequency in large population cohorts (gnomAD); In silico analysis supports that this missense variant has a deleterious effect on protein structure/function; Has not been previously published as pathogenic or benign to our knowledge

NM_001904.4(CTNNB1):c.653T>C (p.Leu218Ser)

Genes: CTNNB1 (catenin beta 1; plus strand), LOC126806658 (BRD4-independent group 4 enhancer GRCh37_chr3:41265899-41267098; plus strand). Cytogenetic location: 3p22.1.
Variant type: single nucleotide variant.
Coding change: c.653T>C on transcript NM_001904.4 (MANE Select); coding-DNA position 653, T replaced by C.
Protein change: p.Leu218Ser; replaces leucine 218 with serine.
Molecular consequence: missense variant.
Genome position (GRCh38, 1-based): chr3:41,225,491, T>C. VCF-style: chr3-41225491-T-C. GRCh37 (hg19) VCF-style: chr3-41266982-T-C.
Other names: c.653T>C, p.Leu218Ser (NM_001098209.2, NM_001098210.2); c.632T>C, p.Leu211Ser (NM_001330729.2); short protein forms L211S, L218S.
Identifiers: ClinVar variation 3252642 (VCV003252642.2), dbSNP rs2125623125.
Genomic context (GRCh38, chr3:41,225,491, plus strand): 5'-TTGTACGTACCATGCAGAATACAAATGATGTAGAAACAGCTCGTTGTACCGCTGGGACCT[T>C]GCATAACCTTTCCCATCATCGTGAGGGCTTACTGGCCATCTTTAAGTCTGGAGGCATTCC-3'
Protein context (NP_001895.1, residues 208-228): VETARCTAGT[Leu218Ser]HNLSHHREGL